The following is an entry in ClinVar:

ClinVar aggregate classification (germline): Pathogenic. Review status: criteria provided, multiple submitters, no conflicts (2 of 4 stars). 2 submissions from 2 submitters: Pathogenic (2). Last evaluated 2019-01-26.

Conditions:
Hereditary cancer-predisposing syndrome. Also called: Hereditary neoplastic syndrome; Neoplastic Syndromes, Hereditary; Tumor predisposition; Hereditary Cancer Syndrome. Identifiers: Orphanet 140162, MedGen C0027672, MeSH D009386, MONDO:0015356.
Familial adenomatous polyposis 1 (FAP1). Also called: FAMILIAL ADENOMATOUS POLYPOSIS 1, ATTENUATED; POLYPOSIS, ADENOMATOUS INTESTINAL. Identifiers: MedGen C2713442, MONDO:0021056, OMIM 175100. Disease mechanism: loss of function.

Submissions (2):

Labcorp Genetics (formerly Invitae), Labcorp
Classification: Pathogenic for Familial adenomatous polyposis 1. Last evaluated: 2019-01-26. Review status: criteria provided, single submitter. Criteria: Invitae Variant Classification Sherloc (09022015). Collection method: clinical testing. Allele origin: germline.
Comment: For these reasons, this variant has been classified as Pathogenic. A different truncation (p.Tyr2645Lysfs*14) that lies downstream of this variant has been determined to be pathogenic (PMID: 9824584, 1316610, 27081525, 8381579, 22135120, Invitae). This suggests that deletion of this region of the APC protein is causative of disease. This variant is expected to disrupt the EB1 and HDLG binding sites, which mediate interactions with the cytoskeleton (PMID: 15311282, 17293347). While functional studies have not been performed to directly test the effect on APC protein function, this suggests that disruption of the C-terminal portion of the protein is functionally important. This variant has not been reported in the literature in individuals with APC-related conditions. ClinVar contains an entry for this variant (Variation ID: 185562). This variant is not present in population databases (ExAC no frequency). This sequence change results in a premature translational stop signal in the APC gene (p.Lys1608Asnfs*42). While this is not anticipated to result in nonsense mediated decay, it is expected to disrupt the last 1236 amino acids of the APC protein.

Ambry Genetics
Classification: Pathogenic for Hereditary cancer-predisposing syndrome. Last evaluated: 2014-06-27. Review status: criteria provided, single submitter. Criteria: Ambry Variant Classification Scheme 2023. Collection method: clinical testing. Allele origin: germline.
Comment: The c.4824_4827delACCAinsTAC pathogenic mutation, located in coding exon 15 of the APC gene, results from the deletion of 4 nucleotides and insertion of 3 nucleotides at positions 4824 to 4827 causing a translational frameshift with a predicted alternate stop codon. Since frameshifts are typically deleterious in nature, this alteration is interpreted as a disease-causing mutation (ACMG Recommendations for Standards for Interpretation and Reporting of Sequence Variations. Revision 2007. Genet Med. 2008;10:294).

Literature cited by the submitters: PubMed 9824584 (cited by Labcorp Genetics (formerly Invitae), Labcorp); PubMed 1316610 (cited by Labcorp Genetics (formerly Invitae), Labcorp); PubMed 27081525 (cited by Labcorp Genetics (formerly Invitae), Labcorp); PubMed 8381579 (cited by Labcorp Genetics (formerly Invitae), Labcorp); PubMed 22135120 (cited by Labcorp Genetics (formerly Invitae), Labcorp); PubMed 15311282 (cited by Labcorp Genetics (formerly Invitae), Labcorp); PubMed 17293347 (cited by Labcorp Genetics (formerly Invitae), Labcorp).

NM_000038.6(APC):c.4824_4827delinsTAC (p.Lys1608fs)

Gene: APC (APC regulator of Wnt signaling pathway; plus strand). Cytogenetic location: 5q22.2.
Variant type: Indel.
Coding change: c.4824_4827delinsTAC on transcript NM_000038.6 (MANE Select); coding-DNA positions 4824 to 4827, ACCA replaced by TAC.
Protein change: p.Lys1608fs; shifts the reading frame from lysine 1608.
Molecular consequence: frameshift variant.
Genome position (GRCh38, 1-based): chr5:112,840,418-112,840,421, ACCA replaced by TAC. VCF-style: chr5-112840418-ACCA-TAC. GRCh37 (hg19) VCF-style: chr5-112176115-ACCA-TAC.
Other names: c.4824_4827delinsTAC, p.Lys1608fs (NM_001127510.3, NM_001354895.2); c.4770_4773delinsTAC, p.Lys1590fs (NM_001127511.3); c.4878_4881delinsTAC, p.Lys1626fs (NM_001354896.2); c.4854_4857delinsTAC, p.Lys1618fs (NM_001354897.2); c.4749_4752delinsTAC, p.Lys1583fs (NM_001354898.2); c.4740_4743delinsTAC, p.Lys1580fs (NM_001354899.2); c.4701_4704delinsTAC, p.Lys1567fs (NM_001354900.2); c.4647_4650delinsTAC, p.Lys1549fs (NM_001354901.2); and 6 more; short protein forms K1448fs, K1549fs, K1580fs, K1618fs, K1325fs, K1482fs, K1608fs, K1626fs.
Identifiers: ClinVar variation 185562 (VCV000185562.11), dbSNP rs786202276, ClinGen allele CA009761.
Genomic context (GRCh38, chr5:112,840,418, plus strand): 5'-ACGTAAAGCAAAAAAGCCAGCCCAGACTGCTTCAAAATTACCTCCACCTGTGGCAAGGAA[ACCA>TAC]AGTCAGCTGCCTGTGTACAAACTTCTACCATCACAAAACAGGTTGCAACCCCAAAAGCAT-3'